The following is an entry in ClinVar:

NM_015214.3(DDHD2):c.1217_1218del (p.Ile405_Phe406insTer)

Gene: DDHD2 (DDHD domain containing 2; plus strand). Cytogenetic location: 8p11.23.
Variant type: Deletion.
Coding change: c.1217_1218del on transcript NM_015214.3 (MANE Select); coding-DNA positions 1217 to 1218, 2 bases deleted (TT; older notation c.1217_1218delTT).
Protein change: p.Ile405_Phe406insTer.
Molecular consequence: nonsense. On other transcripts: non-coding transcript variant (2).
Genome position (GRCh38, 1-based): chr8:38,247,804-38,247,805, TT deleted; deleting any 2 consecutive bases within chr8:38,247,803-38,247,805 gives the same sequence; the c. name uses the placement nearest the transcript's 3' end. VCF-style (leftmost placement, unchanged base first): chr8-38247802-CTT-C. GRCh37 (hg19) VCF-style: chr8-38105320-CTT-C.
Other names: c.1217_1218del, p.Ile405_Phe406insTer (NM_001164232.2, NM_001362911.2, NM_001362912.2 and 1 more transcripts); c.1127_1128del, p.Ile375_Phe376insTer (NM_001362913.2).
Identifiers: ClinVar variation 1709490 (VCV001709490.2), dbSNP rs2486922970, ClinGen allele CA2580078222.
Genomic context (GRCh38, chr8:38,247,802, plus strand): 5'-AGATACACCTACACTAGAGGAAGATTTGAAGAAACTTCAGCTCTCTGAATTCTTTGATAT[CTT>C]TGAGAAGGAGAAAGTAGATAAGGAAGCTCTGGTAAAAATAATCTTTTAAAACTTTATGCC-3'

ClinVar aggregate classification (germline): Likely pathogenic (1 of 4 stars; one submission).

Conditions:
Hereditary spastic paraplegia 54. Also called: Spastic paraplegia 54, autosomal recessive. Identifiers: Orphanet 320380, MedGen C3539495, MONDO:0014018, OMIM 615033.

Submission:

MGZ Medical Genetics Center
Classification: Likely pathogenic for Hereditary spastic paraplegia 54. Last evaluated: 2022-05-30. Review status: criteria provided, single submitter. Criteria: ACMG Guidelines, 2015. Collection method: clinical testing. Allele origin: germline. Affected: yes. Observed: 1 variant allele.
Comment: ACMG criteria applied: PVS1, PM2_SUP